The following is an entry in ClinVar:

NM_000069.3(CACNA1S):c.1483A>C (p.Ile495Leu)

Gene: CACNA1S (calcium voltage-gated channel subunit alpha1 S; minus strand). Cytogenetic location: 1q32.1.
Variant type: single nucleotide variant.
Coding change: c.1483A>C on transcript NM_000069.3 (MANE Select); coding-DNA position 1483, A replaced by C.
Protein change: p.Ile495Leu; replaces isoleucine 495 with leucine.
Molecular consequence: missense variant.
Genome position (GRCh38, 1-based): chr1:201,078,015, T>G on the plus strand (A>C on the coding strand, the complement: CACNA1S is on the minus strand). VCF-style: chr1-201078015-T-G. GRCh37 (hg19) VCF-style: chr1-201047143-T-G.
Other names: short protein forms I495L.
Identifiers: ClinVar variation 3070518 (VCV003070518.1), dbSNP rs1445165663, ClinGen allele CA344122164.

ClinVar aggregate classification (germline): Uncertain significance (1 of 4 stars; one submission).

Conditions:
Malignant hyperthermia, susceptibility to, 5 (MHS5). Also called: CACNA1S-Related Malignant Hyperthermia Susceptibility. Identifiers: Orphanet 423, MedGen C1866077, MONDO:0011163, OMIM 601887.

Submission:

All of Us Research Program, National Institutes of Health
Classification: Uncertain significance for Malignant hyperthermia, susceptibility to, 5. Last evaluated: 2023-04-27. Review status: criteria provided, single submitter. Criteria: ACMG Guidelines, 2015. Collection method: clinical testing. Allele origin: germline. Inheritance: Autosomal dominant inheritance. Observed: 1 variant allele, 1 heterozygote.
Comment: This study involves interpretation of variants in research participants for the purpose of population health screening. Participant phenotype was not available at the time of variant classification. Additional details can be found in publication PMID: 35346344, PMCID: PMC8962531